The following is an entry in ClinVar:

NM_001376.5(DYNC1H1):c.2183G>A (p.Arg728Gln)

Gene: DYNC1H1 (dynein cytoplasmic 1 heavy chain 1; plus strand). Cytogenetic location: 14q32.31.
Variant type: single nucleotide variant.
Coding change: c.2183G>A on transcript NM_001376.5 (MANE Select); coding-DNA position 2183, G replaced by A.
Protein change: p.Arg728Gln; replaces arginine 728 with glutamine.
Molecular consequence: missense variant.
Genome position (GRCh38, 1-based): chr14:101,986,408, G>A. VCF-style: chr14-101986408-G-A. GRCh37 (hg19) VCF-style: chr14-102452745-G-A.
Other names: short protein forms R728Q.
Identifiers: ClinVar variation 973304 (VCV000973304.5), dbSNP rs2047937610, ClinGen allele CA391021503.

ClinVar aggregate classification (germline): Uncertain significance (1 of 4 stars; one submission).

Conditions:
Cortical dysplasia, complex, with other brain malformations 13. Also called: Intellectual disability, autosomal dominant 13. Identifiers: MedGen C3281202, MONDO:0013805, OMIM 614563.

Submission:

Illumina Laboratory Services, Illumina
Classification: Uncertain significance for Cortical dysplasia, complex, with other brain malformations 13. Last evaluated: 2023-12-12. Review status: criteria provided, single submitter. Criteria: ISL SNV Classification Criteria 03 February 2026. Collection method: clinical testing. Allele origin: unknown.
Comment: The DYNC1H1 c.2183G>A, p.(Arg728Gln) missense variant has not, to our knowledge, been reported in the peer reviewed literature. This variant is not observed in version 2.1.1 or version 4.0.0 of the Genome Aggregation Database. This variant is located in the region of the protein associated with dimerization within the DHC_N1 domain (PMID: 23603762; 32656949). Based on the available evidence, the c.2183G>A, p.(Arg728Gln) is classified as a variant of uncertain significance for DYNC1H1-related neurological disorders.

Literature cited by the submitters: PubMed 32656949; PubMed 23603762.